The following is an entry in ClinVar:

ClinVar aggregate classification (germline): Uncertain significance (1 of 4 stars; one submission).

Conditions:
Hereditary cancer-predisposing syndrome. Also called: Hereditary neoplastic syndrome; Tumor predisposition; Hereditary Cancer Syndrome; Neoplastic Syndromes, Hereditary. Identifiers: Orphanet 140162, MedGen C0027672, MeSH D009386, MONDO:0015356.

Submission:

Ambry Genetics
Classification: Uncertain significance for Hereditary cancer-predisposing syndrome. Last evaluated: 2023-08-06. Review status: criteria provided, single submitter. Criteria: Ambry Variant Classification Scheme 2023. Collection method: clinical testing. Allele origin: germline.
Comment: The p.I383V variant (also known as c.1147A>G), located in coding exon 7 of the DICER1 gene, results from an A to G substitution at nucleotide position 1147. The isoleucine at codon 383 is replaced by valine, an amino acid with highly similar properties. This amino acid position is conserved. In addition, this alteration is predicted to be tolerated by in silico analysis. Since supporting evidence is limited at this time, the clinical significance of this alteration remains unclear.

NM_177438.3(DICER1):c.1147A>G (p.Ile383Val)

Gene: DICER1 (dicer 1, ribonuclease III; minus strand). Cytogenetic location: 14q32.13.
Variant type: single nucleotide variant.
Coding change: c.1147A>G on transcript NM_177438.3 (MANE Select); coding-DNA position 1147, A replaced by G.
Protein change: p.Ile383Val; replaces isoleucine 383 with valine.
Molecular consequence: missense variant. On other transcripts: 5 prime UTR variant (1), non-coding transcript variant (6).
Genome position (GRCh38, 1-based): chr14:95,124,425, T>C on the plus strand (A>G on the coding strand, the complement: DICER1 is on the minus strand). VCF-style: chr14-95124425-T-C. GRCh37 (hg19) VCF-style: chr14-95590762-T-C.
Other names: c.1147A>G, p.Ile383Val (NM_001195573.1, NM_001271282.3, NM_001291628.2 and 15 more transcripts); c.865A>G, p.Ile289Val (NM_001395686.1); c.742A>G, p.Ile248Val (NM_001395687.1, NM_001395688.1, NM_001395689.1 and 3 more transcripts); c.580A>G, p.Ile194Val (NM_001395691.1); c.-422A>G (NM_001395697.1); short protein forms I248V, I289V, I194V, I383V.
Identifiers: ClinVar variation 2586417 (VCV002586417.2), dbSNP rs2543179130, ClinGen allele CA390886862.